The following is an entry in ClinVar:

ClinVar aggregate classification (germline): Uncertain significance (1 of 4 stars; one submission).

Conditions:
Peroxisome biogenesis disorder 7B (PBD7B). Identifiers: Orphanet 44, MedGen C3553951, MONDO:0013939, OMIM 614873.

Submission:

Neuberg Centre For Genomic Medicine, NCGM
Classification: Uncertain significance for Peroxisome biogenesis disorder 7B. Review status: criteria provided, single submitter. Criteria: ACMG Guidelines, 2015. Collection method: clinical testing. Allele origin: germline. Inheritance: Autosomal recessive inheritance. Affected: yes.
Comment: The observed missense c.187C>Ap.Gln63Lys variant in PEX26 gene has not been reported previously as a pathogenic variant nor as a benign variant, to our knowledge. This variant is present with an allele frequency of 0.0004% in gnomAD Exomes database. This variant has not been reported to the ClinVar database. Computational evidence Polyphen - Benign, SIFT - Tolerated and MutationTaster -Polymorphism predicts conflicting evidence on protein structure and function for this variant. The reference amino acid in PEX26 is predicted as conserved by GERP++ and PhyloP across 100 vertebrates. The amino acid Gln at position 63 is changed to a Lys changing protein sequence and it might alter its composition and physico-chemical properties. For these reasons, this variant has been classified as Uncertain Significance VUS.

NM_001127649.3(PEX26):c.187C>A (p.Gln63Lys)

Gene: PEX26 (peroxisomal biogenesis factor 26; plus strand). Cytogenetic location: 22q11.21.
Variant type: single nucleotide variant.
Coding change: c.187C>A on transcript NM_001127649.3 (MANE Select); coding-DNA position 187, C replaced by A.
Protein change: p.Gln63Lys; replaces glutamine 63 with lysine.
Molecular consequence: missense variant.
Genome position (GRCh38, 1-based): chr22:18,078,563, C>A. VCF-style: chr22-18078563-C-A. GRCh37 (hg19) VCF-style: chr22-18561329-C-A.
Other names: c.187C>A, p.Gln63Lys (NM_001199319.2, NM_017929.6); short protein forms Q63K.
Identifiers: ClinVar variation 3391249 (VCV003391249.1).
Genomic context (GRCh38, chr22:18,078,563, plus strand): 5'-GACCTCCTGGTGGTGCACCTGGACTTCCGGGCGGCGCTGGAGACCTGCGAGCGGGCCTGG[C>A]AGAGTCTGGCCAACCACGCCGTGGCAGAGGAACCCGCGGGCACGTACGTGCTGGGCTCGG-3'
Protein context (NP_001121121.1, residues 53-73): AALETCERAW[Gln63Lys]SLANHAVAEE